The following is an entry in ClinVar:

ClinVar aggregate classification (germline): Uncertain significance (1 of 4 stars; one submission).

Conditions:
Early-infantile DEE. Also called: Early infantile epileptic encephalopathy; Ohtahara syndrome; Early infantile epileptic encephalopathy with suppression bursts. Identifiers: Orphanet 1934, MedGen C0393706, MONDO:0800491.

Allele frequency attached by ClinVar (database versions not stated): TOPMed below 0.00001; gnomAD exomes 0.00001.
gnomAD v4.1: 7 of 1,603,388 alleles (0.00044%); highest among the groups gnomAD compares: Admixed American, 0.0017%; no homozygotes.

Submission:

Labcorp Genetics (formerly Invitae), Labcorp
Classification: Uncertain significance for Early-infantile DEE. Last evaluated: 2024-11-12. Review status: criteria provided, single submitter. Criteria: Invitae Variant Classification Sherloc (09022015). Collection method: clinical testing. Allele origin: germline.
Comment: This sequence change replaces arginine, which is basic and polar, with serine, which is neutral and polar, at codon 610 of the SCN8A protein (p.Arg610Ser). This variant is present in population databases (no rsID available, gnomAD 0.003%). This variant has not been reported in the literature in individuals affected with SCN8A-related conditions. ClinVar contains an entry for this variant (Variation ID: 1402065). Invitae Evidence Modeling of protein sequence and biophysical properties (such as structural, functional, and spatial information, amino acid conservation, physicochemical variation, residue mobility, and thermodynamic stability) indicates that this missense variant is not expected to disrupt SCN8A protein function with a negative predictive value of 95%. In summary, the available evidence is currently insufficient to determine the role of this variant in disease. Therefore, it has been classified as a Variant of Uncertain Significance.

NM_001330260.2(SCN8A):c.1828C>A (p.Arg610Ser)

Gene: SCN8A (sodium voltage-gated channel alpha subunit 8; plus strand). Cytogenetic location: 12q13.13.
Variant type: single nucleotide variant.
Coding change: c.1828C>A on transcript NM_001330260.2 (MANE Select); coding-DNA position 1828, C replaced by A.
Protein change: p.Arg610Ser; replaces arginine 610 with serine.
Molecular consequence: missense variant.
Genome position (GRCh38, 1-based): chr12:51,721,738, C>A. VCF-style: chr12-51721738-C-A. GRCh37 (hg19) VCF-style: chr12-52115522-C-A.
Other names: c.1828C>A, p.Arg610Ser (NM_001177984.3, NM_001369788.1, NM_014191.4); short protein forms R610S.
Identifiers: ClinVar variation 1402065 (VCV001402065.9), dbSNP rs917515945, ClinGen allele CA236266950.